The following is an entry in ClinVar:

ClinVar aggregate classification (germline): Conflicting classifications of pathogenicity. Review status: criteria provided, conflicting classifications (1 of 4 stars). 4 submissions from 4 submitters: Uncertain significance (2); Likely benign (1). 1 of the submissions does not count toward it. Last evaluated 2025-09-17.

Conditions:
Inborn genetic diseases. Identifiers: MedGen C0950123, MeSH D030342.
IFT140-related disorder. Also called: IFT140-related condition.
Saldino-Mainzer syndrome (SRTD9). Also called: Renal dysplasia, retinal pigmentary dystrophy, cerebellar ataxia and skeletal dysplasia; SHORT-RIB THORACIC DYSPLASIA 9 WITHOUT POLYDACTYLY; short-rib thoracic dysplasia 9 with or without polydactyly; CONORENAL SYNDROME. Identifiers: Orphanet 140969, MedGen C1849437, MONDO:0009964, OMIM 266920.

Allele frequency attached by ClinVar (database versions not stated): gnomAD 0.00007 and 0.00008; gnomAD exomes 0.00008; TOPMed 0.00008; ExAC 0.00011; 1000 Genomes Project 0.00040; 1000 Genomes Project 30x 0.00062.
gnomAD v4.1: 280 of 1,608,952 alleles (0.017%); highest among the groups gnomAD compares: Non-Finnish European, 0.021%; no homozygotes.

Submissions (4):

Labcorp Genetics (formerly Invitae), Labcorp
Classification: Likely benign for Saldino-Mainzer syndrome. Last evaluated: 2025-09-17. Review status: criteria provided, single submitter. Criteria: Invitae Variant Classification Sherloc (09022015). Collection method: clinical testing. Allele origin: germline.

Ambry Genetics
Classification: Uncertain significance for Inborn genetic diseases. Last evaluated: 2025-08-30. Review status: criteria provided, single submitter. Criteria: Ambry Variant Classification Scheme 2023. Collection method: clinical testing. Allele origin: germline.

Blueprint Genetics
Classification: Uncertain significance. Last evaluated: 2024-11-12. Review status: criteria provided, single submitter. Criteria: ACMG Guidelines, 2015. Collection method: clinical testing. Allele origin: germline.

PreventionGenetics, part of Exact Sciences
Classification: Uncertain significance for IFT140-related condition. Last evaluated: 2024-08-23. Review status: no assertion criteria provided. Collection method: clinical testing. Allele origin: germline. Not counted in ClinVar's aggregate classification.
Comment: The IFT140 c.4214G>A variant is predicted to result in the amino acid substitution p.Arg1405Gln. To our knowledge, this variant has not been reported in the literature. This variant is reported in 0.021% of alleles in individuals of African descent in gnomAD. At this time, the clinical significance of this variant is uncertain due to the absence of conclusive functional and genetic evidence.

NM_014714.4(IFT140):c.4214G>A (p.Arg1405Gln)

Gene: IFT140 (intraflagellar transport 140; minus strand). Cytogenetic location: 16p13.3.
Variant type: single nucleotide variant.
Coding change: c.4214G>A on transcript NM_014714.4 (MANE Select); coding-DNA position 4214, G replaced by A.
Protein change: p.Arg1405Gln; replaces arginine 1405 with glutamine.
Molecular consequence: missense variant.
Genome position (GRCh38, 1-based): chr16:1,511,119, C>T on the plus strand (G>A on the coding strand, the complement: IFT140 is on the minus strand). VCF-style: chr16-1511119-C-T. GRCh37 (hg19) VCF-style: chr16-1561120-C-T.
Other names: short protein forms R1405Q.
Identifiers: ClinVar variation 859231 (VCV000859231.12), dbSNP rs558519810, ClinGen allele CA7812825.
Genomic context (GRCh38, chr16:1,511,119, plus strand): 5'-CGGTGCACGGCGTCCACGGCCTGCGGGCTCACGTAGTAGGACATGTTGGCCAAGGGAAGC[C>T]GCCGCCGCATCTCCTCCAGGAATCTGTAGGCCTGGGGCAGAGGAGCAGACATTACTCAGC-3'
Protein context (NP_055529.2, residues 1395-1415): AYRFLEEMRR[Arg1405Gln]LPLANMSYYV